The following is an entry in ClinVar:

ClinVar aggregate classification (germline): Uncertain significance (1 of 4 stars; one submission).

Conditions:
Hereditary spastic paraplegia 49 (HSAN9). Also called: TECPR2-Related Hereditary Sensory and Autonomic Neuropathy with Intellectual Disability; NEUROPATHY, HEREDITARY SENSORY AND AUTONOMIC, TYPE IX, WITH DEVELOPMENTAL DELAY; Spastic paraplegia 49, autosomal recessive. Identifiers: Orphanet 320385, MedGen C5190860, MONDO:0014016, OMIM 615031.

Allele frequency attached by ClinVar (database versions not stated): ExAC 0.00003; TOPMed 0.00006; gnomAD 0.00007.
gnomAD v4.1: 47 of 1,614,118 alleles (0.0029%); highest among the groups gnomAD compares: East Asian, 0.016%; no homozygotes.

Submission:

Labcorp Genetics (formerly Invitae), Labcorp
Classification: Uncertain significance for Hereditary spastic paraplegia 49. Last evaluated: 2022-07-19. Review status: criteria provided, single submitter. Criteria: Invitae Variant Classification Sherloc (09022015). Collection method: clinical testing. Allele origin: germline.
Comment: This sequence change replaces threonine, which is neutral and polar, with methionine, which is neutral and non-polar, at codon 1133 of the TECPR2 protein (p.Thr1133Met). This variant is present in population databases (rs541549767, gnomAD 0.009%). This variant has not been reported in the literature in individuals affected with TECPR2-related conditions. Algorithms developed to predict the effect of missense changes on protein structure and function are either unavailable or do not agree on the potential impact of this missense change (SIFT: "Deleterious"; PolyPhen-2: "Benign"; Align-GVGD: "Class C0"). In summary, the available evidence is currently insufficient to determine the role of this variant in disease. Therefore, it has been classified as a Variant of Uncertain Significance.

NM_014844.5(TECPR2):c.3398C>T (p.Thr1133Met)

Gene: TECPR2 (tectonin beta-propeller repeat containing 2; plus strand). Cytogenetic location: 14q32.31.
Variant type: single nucleotide variant.
Coding change: c.3398C>T on transcript NM_014844.5 (MANE Select); coding-DNA position 3398, C replaced by T.
Protein change: p.Thr1133Met; replaces threonine 1133 with methionine.
Molecular consequence: missense variant.
Genome position (GRCh38, 1-based): chr14:102,450,641, C>T. VCF-style: chr14-102450641-C-T. GRCh37 (hg19) VCF-style: chr14-102916978-C-T.
Other names: c.3398C>T, p.Thr1133Met (NM_001172631.3); short protein forms T1133M.
Identifiers: ClinVar variation 2068801 (VCV002068801.1), dbSNP rs541549767, ClinGen allele CA7358211.
Genomic context (GRCh38, chr14:102,450,641, plus strand): 5'-TTCCCCGTGGGACAGCTTCTGCTACAAAATGGGCCTTTGTGTTGGCTTCTGCAGCTCCCA[C>T]GAAGGAAGGTGGGTCAGTCTTAGCCTCACTGAAGAATCTAGAGCACAGCTTGGCCATTGG-3'
Protein context (NP_055659.2, residues 1123-1143): WAFVLASAAP[Thr1133Met]KEGSFLWLCQ